The following is an entry in ClinVar:

NC_000018.9:g.(?_59763071)_(59763193_?)del

Gene: PIGN (phosphatidylinositol glycan anchor biosynthesis class N; minus strand). Cytogenetic location: 18q21.33.
Variant type: Deletion.
Identifiers: ClinVar variation 1073972 (VCV001073972.5).

ClinVar aggregate classification (germline): Pathogenic (1 of 4 stars; one submission).

Conditions:
Multiple congenital anomalies-hypotonia-seizures syndrome 1 (MCAHS1). Also called: GLYCOSYLPHOSPHATIDYLINOSITOL BIOSYNTHESIS DEFECT 3; PIGN-CDG; Congenital disorder of glycosylation due to PIGN deficiency. Identifiers: Orphanet 280633, MedGen C3279775, MONDO:0013563, OMIM 614080.

Submission:

Labcorp Genetics (formerly Invitae), Labcorp
Classification: Pathogenic for Multiple congenital anomalies-hypotonia-seizures syndrome 1. Last evaluated: 2020-07-21. Review status: criteria provided, single submitter. Criteria: Invitae Variant Classification Sherloc (09022015). Collection method: clinical testing. Allele origin: germline.
Comment: This variant has not been reported in the literature in individuals with PIGN-related conditions. This variant is an out-of-frame deletion of the genomic region encompassing exon(s) 23 of the PIGN gene. This is expected to create a premature translational stop signal and result in an absent or disrupted protein product. For these reasons, this variant has been classified as Pathogenic. Loss-of-function variants in PIGN are known to be pathogenic (PMID: 24253414, 27038415).

Literature cited by the submitters: PubMed 24253414; PubMed 27038415.